The following is an entry in ClinVar:

NM_024422.6(DSC2):c.1521-7C>T

Gene: DSC2 (desmocollin 2; minus strand). Cytogenetic location: 18q12.1.
Variant type: single nucleotide variant.
Coding change: c.1521-7C>T on transcript NM_024422.6 (MANE Select); 7 bases into the intron before coding-DNA position 1521, C replaced by T.
Molecular consequence: intron variant.
Genome position (GRCh38, 1-based): chr18:31,079,996, G>A on the plus strand (C>T on the coding strand, the complement: DSC2 is on the minus strand). VCF-style: chr18-31079996-G-A. GRCh37 (hg19) VCF-style: chr18-28659962-G-A.
Other names: c.1521-7C>T (NM_004949.5).
Identifiers: ClinVar variation 227337 (VCV000227337.26), dbSNP rs374810953, ClinGen allele CA8924780.
Genomic context (GRCh38, chr18:31,079,996, plus strand): 5'-CCTGTATTTTCATCAATGGTGACCCACCCTGTTGGATCAGTTAATTTCTTATACCTGTTG[G>A]TAATGATGAATTAAAATAATAAAATTTATCATATGCTAAATTATAATAACGTAACAAAAT-3'

ClinVar aggregate classification (germline): Conflicting classifications of pathogenicity. Review status: criteria provided, conflicting classifications (1 of 4 stars). 11 submissions from 11 submitters: Uncertain significance (1); Benign (1); Likely benign (7). 2 of the submissions do not count toward it. Last evaluated 2026-01-27.

Conditions:
Arrhythmogenic right ventricular dysplasia 11. Also called: Arrhythmogenic Right Ventricular Dysplasia/Cardiomyopathy11; Arrhythmogenic right ventricular dysplasia 11 with mild palmoplantar keratoderma and woolly hair; ARRHYTHMOGENIC RIGHT VENTRICULAR DYSPLASIA, FAMILIAL, 11. Identifiers: MedGen C1864850, MONDO:0012506, OMIM 610476.
Familial isolated arrhythmogenic right ventricular dysplasia. Identifiers: Orphanet 217656, MedGen C4274968, MONDO:0016342.
Cardiomyopathy (CMYO). Also called: Cardiomyopathies. Identifiers: Orphanet 167848, MedGen C0878544, MONDO:0004994, HP:0001638. Inheritance: Various modes of inheritance.

Allele frequency attached by ClinVar (database versions not stated): ExAC 0.00012; gnomAD exomes 0.00012 and 0.00023; gnomAD 0.00014 and 0.00015; TOPMed 0.00014; ESP Exome Variant Server 0.00015.
gnomAD v4.1: 359 of 1,612,542 alleles (0.022%); highest among the groups gnomAD compares: Non-Finnish European, 0.029%; 1 homozygote.

Submissions (11):

Labcorp Genetics (formerly Invitae), Labcorp
Classification: Likely benign for Arrhythmogenic right ventricular dysplasia 11. Last evaluated: 2026-01-27. Review status: criteria provided, single submitter. Criteria: Invitae Variant Classification Sherloc (09022015). Collection method: clinical testing. Allele origin: germline.

Blueprint Genetics
Classification: Likely benign. Last evaluated: 2024-11-06. Review status: criteria provided, single submitter. Criteria: ACMG Guidelines, 2015. Collection method: clinical testing. Allele origin: germline.

All of Us Research Program, National Institutes of Health
Classification: Likely benign for Familial isolated arrhythmogenic right ventricular dysplasia. Last evaluated: 2024-01-11. Review status: criteria provided, single submitter. Criteria: ACMG Guidelines, 2015. Collection method: clinical testing. Allele origin: germline. Inheritance: Autosomal dominant inheritance. Observed: 44 variant alleles, 44 heterozygotes.
Comment: This study involves interpretation of variants in research participants for the purpose of population health screening. Participant phenotype was not available at the time of variant classification. Additional details can be found in publication PMID: 35346344, PMCID: PMC8962531

Women's Health and Genetics/Laboratory Corporation of America, LabCorp
Classification: Benign. Last evaluated: 2019-08-26. Review status: criteria provided, single submitter. Criteria: LabCorp Variant Classification Summary - May 2015. Collection method: clinical testing. Allele origin: germline.
Comment: Variant summary: DSC2 c.1521-7C>T alters a non-conserved nucleotide located close to a canonical splice site and therefore could affect mRNA splicing, leading to a significantly altered protein sequence. 5/5 computational tools predict no significant impact on normal splicing. However, these predictions have yet to be confirmed by functional studies. The variant allele was found at a frequency of 0.00012 in 250628 control chromosomes, predominantly at a frequency of 0.00024 within the Non-Finnish European subpopulation in the gnomAD database. The observed variant frequency within Non-Finnish European control individuals in the gnomAD database is approximately 10-folds over the estimated maximal expected allele frequency for a pathogenic variant in DSC2 causing Cardiomyopathy phenotype (2.5e-05), strongly suggesting that the variant is a benign polymorphism found primarily in populations of Non-Finnish European origin. To our knowledge, no occurrence of c.1521-7C>T in individuals affected with Cardiomyopathy and no experimental evidence demonstrating its impact on protein function have been reported. Six ClinVar submissions (evaluation after 2014) cite the variant five times as likely benign and once as uncertain significance. Based on the evidence outlined above, the variant was classified as benign.

Color Diagnostics, LLC DBA Color Health
Classification: Likely benign for Cardiomyopathy. Last evaluated: 2018-08-27. Review status: criteria provided, single submitter. Criteria: ACMG Guidelines, 2015. Collection method: clinical testing. Allele origin: germline.

GeneDx
Classification: Likely benign. Last evaluated: 2018-06-12. Review status: criteria provided, single submitter. Criteria: GeneDx Variant Classification Process June 2021. Collection method: clinical testing. Allele origin: germline. Affected: yes.

Phosphorus, Inc.
Classification: Uncertain significance for Arrhythmogenic right ventricular dysplasia 11. Last evaluated: 2017-08-01. Review status: criteria provided, single submitter. Criteria: ACMG Guidelines, 2015. Collection method: clinical testing. Allele origin: germline. Observed: 2 variant alleles.

Clinical Genetics DNA and cytogenetics Diagnostics Lab, Erasmus MC, Erasmus Medical Center
Classification: Likely benign for Arrhythmogenic right ventricular dysplasia 11. Last evaluated: 2017-06-28. Review status: criteria provided, single submitter. Criteria: ACGS Guidelines, 2013. Collection method: clinical testing. Allele origin: germline. Affected: yes. Study: VKGL Data-share Consensus.

Laboratory for Molecular Medicine, Mass General Brigham Personalized Medicine
Classification: Likely benign. Last evaluated: 2015-11-23. Review status: criteria provided, single submitter. Criteria: LMM Criteria. Collection method: clinical testing. Allele origin: germline. Observed: 1 variant allele.
Comment: c.1521-7C>T in intron 10 of DSC2: This variant is not expected to have clinical significance because a C>T change at this position does not diverge from the spl ice consensus sequence and is therefore unlikely to impact splicing. It has been identified in 14/66584 European chromosomes by the Exome Aggregation Consortium (ExAC; dbSNP rs374810953).

Clinical Genetics, Academic Medical Center
Classification: Benign. Review status: no assertion criteria provided. Collection method: clinical testing. Allele origin: germline. Affected: yes. Study: VKGL Data-share Consensus. Not counted in ClinVar's aggregate classification.

Joint Genome Diagnostic Labs from Nijmegen and Maastricht, Radboudumc and MUMC+
Classification: Likely benign. Review status: no assertion criteria provided. Collection method: clinical testing. Allele origin: germline. Affected: yes. Study: VKGL Data-share Consensus. Not counted in ClinVar's aggregate classification.